The following is an entry in ClinVar:

NM_002336.3(LRP6):c.3130G>A (p.Asp1044Asn)

Gene: LRP6 (LDL receptor related protein 6; minus strand). Cytogenetic location: 12p13.2.
Variant type: single nucleotide variant.
Coding change: c.3130G>A on transcript NM_002336.3 (MANE Select); coding-DNA position 3130, G replaced by A.
Protein change: p.Asp1044Asn; replaces aspartic acid 1044 with asparagine.
Molecular consequence: missense variant.
Genome position (GRCh38, 1-based): chr12:12,149,018, C>T on the plus strand (G>A on the coding strand, the complement: LRP6 is on the minus strand). VCF-style: chr12-12149018-C-T. GRCh37 (hg19) VCF-style: chr12-12301952-C-T.
Other names: p.Asp1044Asn; c.3130G>A (NM_002336.2); short protein forms D1044N.
Identifiers: ClinVar variation 1255577 (VCV001255577.14), dbSNP rs140182370, ClinGen allele CA6455324.
Genomic context (GRCh38, chr12:12,149,018, plus strand): 5'-CCACAACGGCTCGAGGTCTGTCCTGCTCGCCTTTCAGCACCACTCCAACTGATCTCCCAT[C>T]TAATCTTGTCACATTAATGACATTGGTAGCCTCACAAGTCCAGTAGATGTAGCGGCTGTA-3'
Protein context (NP_002327.2, residues 1034-1054): ATNVINVTRL[Asp1044Asn]GRSVGVVLKG

ClinVar aggregate classification (germline): Conflicting classifications of pathogenicity. Review status: criteria provided, conflicting classifications (1 of 4 stars). 5 submissions from 5 submitters: Uncertain significance (2); Likely benign (2). 1 of the submissions does not count toward it. Last evaluated 2025-09-24.

Conditions:
Inborn genetic diseases. Identifiers: MedGen C0950123, MeSH D030342.
Autosomal dominant polycystic liver disease. Also called: Congenital cystic disease of liver; Polycystic liver disease. Identifiers: Orphanet 2924, MedGen C0158683, MONDO:0000447, HP:0006557.

Allele frequency attached by ClinVar (database versions not stated): TOPMed 0.00030; gnomAD 0.00032 and 0.00034; ESP Exome Variant Server 0.00046; gnomAD exomes 0.00057 and 0.00071; ExAC 0.00072.
gnomAD v4.1: 1,072 of 1,613,974 alleles (0.066%); highest among the groups gnomAD compares: Non-Finnish European, 0.085%; no homozygotes.

Submissions (5):

Mayo Clinic Laboratories, Mayo Clinic
Classification: Uncertain significance. Last evaluated: 2025-09-24. Review status: criteria provided, single submitter. Criteria: ACMG Guidelines, 2015. Collection method: clinical testing. Allele origin: germline. Observed: 2 variant alleles.
Comment: BS1

Labcorp Genetics (formerly Invitae), Labcorp
Classification: Likely benign. Last evaluated: 2025-03-10. Review status: criteria provided, single submitter. Criteria: Invitae Variant Classification Sherloc (09022015). Collection method: clinical testing. Allele origin: germline.

Ambry Genetics
Classification: Uncertain significance for Inborn genetic diseases. Last evaluated: 2024-12-11. Review status: criteria provided, single submitter. Criteria: Ambry Variant Classification Scheme 2023. Collection method: clinical testing. Allele origin: germline.

Blueprint Genetics
Classification: Likely benign. Last evaluated: 2024-11-14. Review status: criteria provided, single submitter. Criteria: ACMG Guidelines, 2015. Collection method: clinical testing. Allele origin: germline.

Laboratory of Gastroenterology and Hepatology, Radboud University Medical Center
Classification: Likely benign for Autosomal dominant polycystic liver disease. Last evaluated: 2021-09-01. Review status: no assertion criteria provided. Collection method: research. Allele origin: germline. Affected: yes. Not counted in ClinVar's aggregate classification.